The following is an entry in ClinVar:

ClinVar aggregate classification (germline): Uncertain significance (1 of 4 stars; one submission).

Conditions:
Mitochondrial DNA depletion syndrome 13. Also called: FBXL4-Related Encephalomyopathic Mitochondrial DNA Depletion Syndrome; Mitochondrial DNA depletion syndrome 13 (encephalomyopathic type). Identifiers: Orphanet 369897, MedGen C3809592, MONDO:0014198, OMIM 615471.

Allele frequency attached by ClinVar (database versions not stated): TOPMed below 0.00001; gnomAD 0.00001; gnomAD exomes 0.00001 and 0.00002; ExAC 0.00004.
gnomAD v4.1: 14 of 1,611,934 alleles (0.00087%); highest among the groups gnomAD compares: Non-Finnish European, 0.0012%; no homozygotes.

Submission:

Wong Mito Lab, Molecular and Human Genetics, Baylor College of Medicine
Classification: Uncertain significance for Mitochondrial DNA depletion syndrome 13. Last evaluated: 2017-08-10. Review status: criteria provided, single submitter. Criteria: ACMG Guidelines, 2015. Collection method: reference population. Allele origin: germline.
Comment: The NM_012160.4:c.1113G>C (NP_036292.2:p.Lys371Asn) [GRCH38: NC_000006.12:g.98899472C>G] variant in FBXL4 gene is interpretated to be a Uncertain Significance - Conflicting Evidence based on ACMG guidelines (PMID: 25741868). This variant meets one or more of the following evidence codes reported in the ACMG-guideline. PM2:This variant is absent in key population databases. BP4:Computational evidence/predictors indicate no impact on the FBXL4 structure, function, or protein-protein interaction. Based on this evidence code ClinGen Pathogenicity Calculator (PMID:28081714) suggested that the variant is Uncertain Significance - Conflicting Evidence.

NM_001278716.2(FBXL4):c.1113G>C (p.Lys371Asn)

Gene: FBXL4 (F-box and leucine rich repeat protein 4; minus strand). Cytogenetic location: 6q16.1.
Variant type: single nucleotide variant.
Coding change: c.1113G>C on transcript NM_001278716.2 (MANE Select); coding-DNA position 1113, G replaced by C.
Protein change: p.Lys371Asn; replaces lysine 371 with asparagine.
Molecular consequence: missense variant. On other transcripts: non-coding transcript variant (2).
Genome position (GRCh38, 1-based): chr6:98,899,472, C>G on the plus strand (G>C on the coding strand, the complement: FBXL4 is on the minus strand). VCF-style: chr6-98899472-C-G. GRCh37 (hg19) VCF-style: chr6-99347348-C-G.
Other names: c.1113G>C, p.Lys371Asn (NM_012160.5); short protein forms K371N.
Identifiers: ClinVar variation 437696 (VCV000437696.1), dbSNP rs746492456, ClinGen allele CA3933520.